The following is an entry in ClinVar:

ClinVar aggregate classification (germline): Uncertain significance (1 of 4 stars; one submission).

Conditions:
Inflammatory bowel disease 25. Also called: Inflammatory bowel disease 25, early onset, autosomal recessive. Identifiers: Orphanet 238569, MedGen C2675508, MONDO:0012941, OMIM 612567.

Submission:

Labcorp Genetics (formerly Invitae), Labcorp
Classification: Uncertain significance for Inflammatory bowel disease 25. Last evaluated: 2017-08-10. Review status: criteria provided, single submitter. Criteria: Invitae Variant Classification Sherloc (09022015). Collection method: clinical testing. Allele origin: germline.
Comment: A gross duplication of the genomic region encompassing the full coding sequence of the IL10RB gene has been identified. The boundaries of this event are unknown as the duplication extends beyond the assayed region for this gene and therefore may encompass additional genes. As the precise location of this duplication is unknown, it may be in tandem or it may be located elsewhere in the genome. This variant has not been reported in the literature in individuals with IL10RB-related disease. In summary, the available evidence is currently insufficient to determine the role of this variant in disease. Therefore, it has been classified as a Variant of Uncertain Significance.

NC_000021.8:g.(?_34638751)_(34668714_?)dup

Genes: IFNAR2-IL10RB (IFNAR2-IL10RB readthrough; plus strand), IL10RB (interleukin 10 receptor subunit beta; plus strand), LOC130066559 (ATAC-STARR-seq lymphoblastoid active region 18373; plus strand), LOC130066558 (ATAC-STARR-seq lymphoblastoid silent region 13254; plus strand), LOC130066560 (ATAC-STARR-seq lymphoblastoid active region 18374; plus strand). Cytogenetic location: 21q22.11.
Variant type: Duplication.
Identifiers: ClinVar variation 469406 (VCV000469406.1).